The following is an entry in ClinVar:

NM_080732.4(EGLN2):c.571A>G (p.Ile191Val)

Genes: EGLN2 (egl-9 family hypoxia inducible factor 2; plus strand), RAB4B-EGLN2 (RAB4B-EGLN2 readthrough (NMD candidate); plus strand). Cytogenetic location: 19q13.2.
Variant type: single nucleotide variant.
Coding change: c.571A>G on transcript NM_080732.4 (MANE Select); coding-DNA position 571, A replaced by G.
Protein change: p.Ile191Val; replaces isoleucine 191 with valine.
Molecular consequence: missense variant. On other transcripts: non-coding transcript variant (1).
Genome position (GRCh38, 1-based): chr19:40,801,143, A>G. VCF-style: chr19-40801143-A-G. GRCh37 (hg19) VCF-style: chr19-41307048-A-G.
Other names: c.571A>G, p.Ile191Val (NM_053046.4); short protein forms I191V.
Identifiers: ClinVar variation 1749271 (VCV001749271.2), dbSNP rs755203552, ClinGen allele CA9452249.
Genomic context (GRCh38, chr19:40,801,143, plus strand): 5'-CCCTCTGCGCCCGAGCGCCTGGCCCTGGACTATATCGTGCCCTGCATGCGGTACTACGGC[A>G]TCTGCGTCAAGGACAGCTTCCTGGGGGCAGCACTGGGCGGTCGCGTGCTGGCCGAGGTGG-3'
Protein context (NP_542770.2, residues 181-201): YIVPCMRYYG[Ile191Val]CVKDSFLGAA

ClinVar aggregate classification (germline): Uncertain significance (1 of 4 stars; one submission).

Allele frequency attached by ClinVar (database versions not stated): ExAC 0.00001; gnomAD exomes 0.00001; TOPMed 0.00001.
gnomAD v4.1: 8 of 1,612,964 alleles (0.0005%); highest among the groups gnomAD compares: Non-Finnish European, 0.00068%; no homozygotes.

Submission:

Ambry Genetics
Classification: Uncertain significance. Last evaluated: 2023-09-22. Review status: criteria provided, single submitter. Criteria: Ambry Variant Classification Scheme 2023. Collection method: clinical testing. Allele origin: germline.
Comment: The p.I191V variant (also known as c.571A>G), located in coding exon 1 of the EGLN2 gene, results from an A to G substitution at nucleotide position 571. The isoleucine at codon 191 is replaced by valine, an amino acid with highly similar properties. This amino acid position is conserved. In addition, this alteration is predicted to be tolerated by in silico analysis. Since supporting evidence is limited at this time, the clinical significance of this alteration remains unclear.